The following is an entry in ClinVar:

ClinVar aggregate classification (germline): Uncertain significance (1 of 4 stars; one submission).

Submission:

Labcorp Genetics (formerly Invitae), Labcorp
Classification: Uncertain significance. Last evaluated: 2023-11-07. Review status: criteria provided, single submitter. Criteria: Invitae Variant Classification Sherloc (09022015). Collection method: clinical testing. Allele origin: germline.
Comment: This sequence change replaces tyrosine, which is neutral and polar, with phenylalanine, which is neutral and non-polar, at codon 268 of the ITGAM protein (p.Tyr268Phe). This variant is not present in population databases (gnomAD no frequency). This variant has not been reported in the literature in individuals affected with ITGAM-related conditions. An algorithm developed to predict the effect of missense changes on protein structure and function (PolyPhen-2) suggests that this variant is likely to be disruptive. In summary, the available evidence is currently insufficient to determine the role of this variant in disease. Therefore, it has been classified as a Variant of Uncertain Significance.

NM_000632.4(ITGAM):c.803A>T (p.Tyr268Phe)

Genes: ITGAM (integrin subunit alpha M; plus strand), LOC126862332 (BRD4-independent group 4 enhancer GRCh37_chr16:31284654-31285853; plus strand). Cytogenetic location: 16p11.2.
Variant type: single nucleotide variant.
Coding change: c.803A>T on transcript NM_000632.4 (MANE Select); coding-DNA position 803, A replaced by T.
Protein change: p.Tyr268Phe; replaces tyrosine 268 with phenylalanine.
Molecular consequence: missense variant.
Genome position (GRCh38, 1-based): chr16:31,273,463, A>T. VCF-style: chr16-31273463-A-T. GRCh37 (hg19) VCF-style: chr16-31284784-A-T.
Other names: c.803A>T, p.Tyr268Phe (NM_001145808.2); short protein forms Y268F.
Identifiers: ClinVar variation 2771579 (VCV002771579.3), dbSNP rs776945214, ClinGen allele CA395694812.
Genomic context (GRCh38, chr16:31,273,463, plus strand): 5'-ATGCCTTTAAGATCCTAGTTGTCATCACGGATGGAGAAAAGTTTGGCGATCCCTTGGGAT[A>T]TGAGGATGTCATCCCTGAGGCAGACAGAGAGGGAGTCATTCGCTACGTCATTGGGGTAGG-3'
Protein context (NP_000623.2, residues 258-278): DGEKFGDPLG[Tyr268Phe]EDVIPEADRE